The following is an entry in ClinVar:

ClinVar aggregate classification (germline): Uncertain significance (1 of 4 stars; one submission).

Submission:

Labcorp Genetics (formerly Invitae), Labcorp
Classification: Uncertain significance. Last evaluated: 2022-04-17. Review status: criteria provided, single submitter. Criteria: Invitae Variant Classification Sherloc (09022015). Collection method: clinical testing. Allele origin: germline.
Comment: This variant is not present in population databases (gnomAD no frequency). This sequence change falls in intron 9 of the ALDH3A2 gene. It does not directly change the encoded amino acid sequence of the ALDH3A2 protein. In summary, the available evidence is currently insufficient to determine the role of this variant in disease. Therefore, it has been classified as a Variant of Uncertain Significance. Algorithms developed to predict the effect of sequence changes on RNA splicing suggest that this variant may disrupt the consensus splice site. This variant has not been reported in the literature in individuals affected with ALDH3A2-related conditions.

NM_000382.3(ALDH3A2):c.1444-14T>G

Gene: ALDH3A2 (aldehyde dehydrogenase 3 family member A2; plus strand). Cytogenetic location: 17p11.2.
Variant type: single nucleotide variant.
Coding change: c.1444-14T>G on transcript NM_000382.3 (MANE Select); 14 bases into the intron before coding-DNA position 1444, T replaced by G.
Molecular consequence: intron variant.
Genome position (GRCh38, 1-based): chr17:19,675,544, T>G. VCF-style: chr17-19675544-T-G. GRCh37 (hg19) VCF-style: chr17-19578857-T-G.
Other names: c.865-14T>G (NM_001369148.2); c.*42-14T>G (NM_001369137.2, NM_001031806.2, NM_001369136.1); c.1444-14T>G (NM_001369138.2, NM_001369139.1); c.1208-14T>G (NM_001369146.2).
Identifiers: ClinVar variation 2127360 (VCV002127360.4), dbSNP rs2544413805, ClinGen allele CA2580092710.